The following is an entry in ClinVar:

NM_001256715.2(DNAAF3):c.480+5C>A

Genes: DNAAF3 (dynein axonemal assembly factor 3; minus strand), DNAAF3-AS1 (DNAAF3 antisense RNA 1; plus strand). Cytogenetic location: 19q13.42.
Variant type: single nucleotide variant.
Coding change: c.480+5C>A on transcript NM_001256715.2 (MANE Select); 5 bases into the intron after coding-DNA position 480, C replaced by A.
Molecular consequence: intron variant.
Genome position (GRCh38, 1-based): chr19:55,162,128, G>T on the plus strand (C>A on the coding strand, the complement: DNAAF3 is on the minus strand). VCF-style: chr19-55162128-G-T. GRCh37 (hg19) VCF-style: chr19-55673496-G-T.
Other names: c.621+5C>A (NM_178837.4); c.684+5C>A (NM_001256714.1); c.318+5C>A (NM_001256716.2).
Identifiers: ClinVar variation 2454171 (VCV002454171.2), dbSNP rs757597159, ClinGen allele CA2576892917.
Genomic context (GRCh38, chr19:55,162,128, plus strand): 5'-TTGGACTGTGCGCTTCCATTATTCCCGCGGCCACCCGATCCCAGATGGAGGCCGGGCGGC[G>T]GCACCTTGAGGGCGCGGAGGCTGAGCCAGGGCAGCTGTTCCTCCAGGCGGTCGGGCTCGG-3'

ClinVar aggregate classification (germline): Uncertain significance (1 of 4 stars; one submission).

Conditions:
Primary ciliary dyskinesia. Also called: Ciliary dyskinesia. Identifiers: Orphanet 244, MedGen C0008780, MONDO:0016575, HP:0012265.

Submission:

Ambry Genetics
Classification: Uncertain significance for Primary ciliary dyskinesia. Last evaluated: 2023-02-07. Review status: criteria provided, single submitter. Criteria: Ambry Variant Classification Scheme 2023. Collection method: clinical testing. Allele origin: germline.
Comment: The c.684+5C>A intronic variant results from a C to A substitution 5 nucleotides after coding exon 5 in the DNAAF3 gene. This nucleotide position is not well conserved in available vertebrate species. In silico splice site analysis predicts that this alteration will not have any significant effect on splicing. Since supporting evidence is limited at this time, the clinical significance of this alteration remains unclear.